The following is an entry in ClinVar:

NM_001164508.2(NEB):c.5411C>A (p.Ala1804Glu)

Gene: NEB (nebulin; minus strand). Cytogenetic location: 2q23.3.
Variant type: single nucleotide variant.
Coding change: c.5411C>A on transcript NM_001164508.2 (MANE Select); coding-DNA position 5411, C replaced by A.
Protein change: p.Ala1804Glu; replaces alanine 1804 with glutamic acid.
Molecular consequence: missense variant.
Genome position (GRCh38, 1-based): chr2:151,664,541, G>T on the plus strand (C>A on the coding strand, the complement: NEB is on the minus strand). VCF-style: chr2-151664541-G-T. GRCh37 (hg19) VCF-style: chr2-152521055-G-T.
Other names: c.5411C>A, p.Ala1804Glu (NM_001164507.2, NM_001271208.2, NM_004543.5); short protein forms A1804E.
Identifiers: ClinVar variation 331505 (VCV000331505.24), dbSNP rs78420579, ClinGen allele CA1910376.

ClinVar aggregate classification (germline): Conflicting classifications of pathogenicity. Review status: criteria provided, conflicting classifications (1 of 4 stars). 5 submissions from 5 submitters: Uncertain significance (3); Benign (1). 1 of the submissions does not count toward it. Last evaluated 2026-01-13.

Conditions:
Nemaline myopathy 2 (NEM2). Also called: Nemaline myopathy 2, autosomal recessive. Identifiers: MedGen C1850569, MONDO:0009725, OMIM 256030.

Allele frequency attached by ClinVar (database versions not stated): TOPMed 0.00005; gnomAD exomes 0.00008 and 0.00049; gnomAD 0.00009 and 0.00028; ExAC 0.00019; 1000 Genomes Project 30x 0.00125; 1000 Genomes Project 0.00140.
gnomAD v4.1: 732 of 1,607,272 alleles (0.046%); highest among the groups gnomAD compares: East Asian, 1.6%; 8 homozygotes.

Submissions (5):

Labcorp Genetics (formerly Invitae), Labcorp
Classification: Benign for Nemaline myopathy 2. Last evaluated: 2026-01-13. Review status: criteria provided, single submitter. Criteria: Invitae Variant Classification Sherloc (09022015). Collection method: clinical testing. Allele origin: germline.

GeneDx
Classification: Uncertain significance. Last evaluated: 2025-06-11. Review status: criteria provided, single submitter. Criteria: GeneDx Variant Classification Process June 2021. Collection method: clinical testing. Allele origin: germline. Affected: yes.
Comment: In silico analysis suggests that this missense variant does not alter protein structure/function; Has not been previously published as pathogenic or benign to our knowledge

Revvity Omics, Revvity
Classification: Uncertain significance. Last evaluated: 2024-04-26. Review status: criteria provided, single submitter. Criteria: ACMG Guidelines, 2015. Collection method: clinical testing. Allele origin: germline.

Illumina Laboratory Services, Illumina
Classification: Uncertain significance for Nemaline myopathy 2. Last evaluated: 2018-01-13. Review status: criteria provided, single submitter. Criteria: ICSL Variant Classification Criteria 13 December 2019. Collection method: clinical testing. Allele origin: germline.

Natera, Inc.
Classification: Uncertain significance for Nemaline myopathy type 2. Last evaluated: 2019-12-23. Review status: no assertion criteria provided. Collection method: clinical testing. Allele origin: germline. Not counted in ClinVar's aggregate classification.